The following is an entry in ClinVar:

ClinVar aggregate classification (germline): Uncertain significance (1 of 4 stars; one submission).

Allele frequency attached by ClinVar (database versions not stated): gnomAD exomes 0.00001; gnomAD 0.00002; TOPMed 0.00002.
gnomAD v4.1: 6 of 1,613,782 alleles (0.00037%); highest among the groups gnomAD compares: Admixed American, 0.0033%; no homozygotes.

Submission:

Labcorp Genetics (formerly Invitae), Labcorp
Classification: Uncertain significance. Last evaluated: 2022-08-19. Review status: criteria provided, single submitter. Criteria: Invitae Variant Classification Sherloc (09022015). Collection method: clinical testing. Allele origin: germline.
Comment: This sequence change replaces alanine, which is neutral and non-polar, with serine, which is neutral and polar, at codon 4791 of the ADGRV1 protein (p.Ala4791Ser). This variant is not present in population databases (gnomAD no frequency). This variant has not been reported in the literature in individuals affected with ADGRV1-related conditions. Algorithms developed to predict the effect of missense changes on protein structure and function are either unavailable or do not agree on the potential impact of this missense change (SIFT: "Deleterious"; PolyPhen-2: "Probably Damaging"; Align-GVGD: "Class C0"). In summary, the available evidence is currently insufficient to determine the role of this variant in disease. Therefore, it has been classified as a Variant of Uncertain Significance.

NM_032119.4(ADGRV1):c.14371G>T (p.Ala4791Ser)

Gene: ADGRV1 (adhesion G protein-coupled receptor V1; plus strand). Cytogenetic location: 5q14.3.
Variant type: single nucleotide variant.
Coding change: c.14371G>T on transcript NM_032119.4 (MANE Select); coding-DNA position 14371, G replaced by T.
Protein change: p.Ala4791Ser; replaces alanine 4791 with serine.
Molecular consequence: missense variant. On other transcripts: non-coding transcript variant (1).
Genome position (GRCh38, 1-based): chr5:90,791,200, G>T. VCF-style: chr5-90791200-G-T. GRCh37 (hg19) VCF-style: chr5-90087017-G-T.
Other names: short protein forms A4791S.
Identifiers: ClinVar variation 2039972 (VCV002039972.1), dbSNP rs753503932, ClinGen allele CA3341714.
Genomic context (GRCh38, chr5:90,791,200, plus strand): 5'-CAGTCAATACTTATTGGGCAGAACCTTATTAGATCCATCCAAATTAACATAACCCGGCTT[G>T]CTGGAACATTTGGAGATGTGGCTGTTGGGCTTCGAATATCATCGGATCATAAAGAACAGC-3'
Protein context (NP_115495.3, residues 4781-4801): RSIQINITRL[Ala4791Ser]GTFGDVAVGL